The following is an entry in ClinVar:

NM_005993.5(TBCD):c.2629A>G (p.Thr877Ala)

Gene: TBCD (tubulin folding cofactor D). Cytogenetic location: 17q25.3.
Variant type: single nucleotide variant.
Coding change: c.2629A>G on transcript NM_005993.5 (MANE Select); coding-DNA position 2629, A replaced by G.
Protein change: p.Thr877Ala; replaces threonine 877 with alanine.
Molecular consequence: missense variant.
Genome position (GRCh38, 1-based): chr17:82,927,924, A>G. VCF-style: chr17-82927924-A-G. GRCh37 (hg19) VCF-style: chr17-80885800-A-G.
Other names: c.2578A>G, p.Thr860Ala (NM_001411101.1); c.2548A>G, p.Thr850Ala (NM_001411102.1); short protein forms T850A, T860A, T877A.
Identifiers: ClinVar variation 2576952 (VCV002576952.1), dbSNP rs1233833575, ClinGen allele CA401634347.

ClinVar aggregate classification (germline): Uncertain significance (1 of 4 stars; one submission).

Allele frequency attached by ClinVar (database versions not stated): TOPMed 0.00001.

Submission:

GeneDx
Classification: Uncertain significance. Last evaluated: 2023-02-15. Review status: criteria provided, single submitter. Criteria: GeneDx Variant Classification Process June 2021. Collection method: clinical testing. Allele origin: germline. Affected: yes.
Comment: Not observed at significant frequency in large population cohorts (gnomAD); In silico analysis supports that this missense variant has a deleterious effect on protein structure/function; Has not been previously published as pathogenic or benign to our knowledge